The following is an entry in ClinVar:

ClinVar aggregate classification (germline): Conflicting classifications of pathogenicity. Review status: criteria provided, conflicting classifications (1 of 4 stars). 7 submissions from 7 submitters: Uncertain significance (3); Likely benign (2). 2 of the submissions do not count toward it. Last evaluated 2026-01-05.

Conditions:
Cardiovascular phenotype. Identifiers: MedGen CN230736.
Long QT syndrome 10 (LQT10). Identifiers: Orphanet 101016, Orphanet 768, MedGen C2678484, MONDO:0012737, OMIM 611819.

Allele frequency attached by ClinVar (database versions not stated): TOPMed 0.00018; gnomAD 0.00019 and 0.00021; ESP Exome Variant Server 0.00054.
gnomAD v4.1: 380 of 1,610,994 alleles (0.024%); highest among the groups gnomAD compares: Non-Finnish European, 0.031%; no homozygotes.

Submissions (7):

GeneDx
Classification: Uncertain significance. Last evaluated: 2026-01-05. Review status: criteria provided, single submitter. Criteria: GeneDx Variant Classification Process June 2021. Collection method: clinical testing. Allele origin: germline. Affected: yes.
Comment: Has not been previously published as pathogenic or benign to our knowledge; In silico analysis suggests that this missense variant does not alter protein structure/function; Variants in candidate genes are classified as variants of uncertain significance in accordance with ACMG guidelines (PMID: 25741868)

Labcorp Genetics (formerly Invitae), Labcorp
Classification: Uncertain significance for Long QT syndrome 10. Last evaluated: 2025-10-27. Review status: criteria provided, single submitter. Criteria: Invitae Variant Classification Sherloc (09022015). Collection method: clinical testing. Allele origin: germline.
Comment: This sequence change replaces aspartic acid, which is acidic and polar, with glutamic acid, which is acidic and polar, at codon 6 of the SCN4B protein (p.Asp6Glu). This variant is present in population databases (rs149979176, gnomAD 0.03%). This variant has not been reported in the literature in individuals affected with SCN4B-related conditions. ClinVar contains an entry for this variant (Variation ID: 190889). An algorithm developed to predict the effect of missense changes on protein structure and function (PolyPhen-2) suggests that this variant is likely to be tolerated. In summary, the available evidence is currently insufficient to determine the role of this variant in disease. Therefore, it has been classified as a Variant of Uncertain Significance.

Women's Health and Genetics/Laboratory Corporation of America, LabCorp
Classification: Likely benign. Last evaluated: 2025-03-07. Review status: criteria provided, single submitter. Criteria: LabCorp Variant Classification Summary - May 2015. Collection method: clinical testing. Allele origin: germline.

Ambry Genetics
Classification: Likely benign for Cardiovascular phenotype. Last evaluated: 2024-08-05. Review status: criteria provided, single submitter. Criteria: Ambry Variant Classification Scheme 2023. Collection method: clinical testing. Allele origin: germline.

Center for Genomics, Ann and Robert H. Lurie Children's Hospital of Chicago
Classification: Uncertain significance for Long QT syndrome 10. Review status: criteria provided, single submitter. Criteria: ACMG Guidelines, 2015. Collection method: clinical testing. Allele origin: germline.
Comment: SCN4B NM_174934.3 exon 1 p.Asp6Glu (c.18C>A): This variant has not been reported in the literature but is present in 0.02% (30/124990) of European alleles in the Genome Aggregation Database. This variant is present in ClinVar (Variation ID:190889). Evolutionary conservation and computational predictive tools suggest that this variant may not impact the protein. In summary, data on this variant is insufficient for disease classification. Therefore, the clinical significance of this variant is uncertain.

Clinical Genetics, Academic Medical Center
Classification: Likely benign. Review status: no assertion criteria provided. Collection method: clinical testing. Allele origin: germline. Affected: yes. Study: VKGL Data-share Consensus. Not counted in ClinVar's aggregate classification.

Genome Diagnostics Laboratory, University Medical Center Utrecht
Classification: Likely benign. Review status: no assertion criteria provided. Collection method: clinical testing. Allele origin: germline. Affected: yes. Study: VKGL Data-share Consensus. Not counted in ClinVar's aggregate classification.

NM_174934.4(SCN4B):c.18C>A (p.Asp6Glu)

Gene: SCN4B (sodium voltage-gated channel beta subunit 4; minus strand). Cytogenetic location: 11q23.3.
Variant type: single nucleotide variant.
Coding change: c.18C>A on transcript NM_174934.4 (MANE Select); coding-DNA position 18, C replaced by A.
Protein change: p.Asp6Glu; replaces aspartic acid 6 with glutamic acid.
Molecular consequence: missense variant.
Genome position (GRCh38, 1-based): chr11:118,152,656, G>T on the plus strand (C>A on the coding strand, the complement: SCN4B is on the minus strand). VCF-style: chr11-118152656-G-T. GRCh37 (hg19) VCF-style: chr11-118023371-G-T.
Other names: p.D6E:GAC>GAA; c.18C>A, p.Asp6Glu (NM_001142348.2); short protein forms D6E.
Identifiers: ClinVar variation 190889 (VCV000190889.61), dbSNP rs149979176, ClinGen allele CA302213.